The following is an entry in ClinVar:

NM_000277.3(PAH):c.847A>T (p.Ile283Phe)

Genes: PAH (phenylalanine hydroxylase; minus strand), LOC126861615 (CDK7 strongly-dependent group 2 enhancer GRCh37_chr12:103244689-103245888; plus strand). Cytogenetic location: 12q23.2.
Variant type: single nucleotide variant.
Coding change: c.847A>T on transcript NM_000277.3 (MANE Select); coding-DNA position 847, A replaced by T.
Protein change: p.Ile283Phe; replaces isoleucine 283 with phenylalanine.
Molecular consequence: missense variant.
Genome position (GRCh38, 1-based): chr12:102,851,752, T>A on the plus strand (A>T on the coding strand, the complement: PAH is on the minus strand). VCF-style: chr12-102851752-T-A. GRCh37 (hg19) VCF-style: chr12-103245530-T-A.
Other names: c.847A>T (NM_000277.2); c.847A>T, p.Ile283Phe (NM_001354304.2); short protein forms I283F.
Identifiers: ClinVar variation 102876 (VCV000102876.60), dbSNP rs62517168, ClinGen allele CA229820.

ClinVar aggregate classification (germline): Pathogenic. Review status: criteria provided, multiple submitters, no conflicts (2 of 4 stars). 9 submissions from 9 submitters: Pathogenic (7). 2 of the submissions do not count toward it. Last evaluated 2026-05-29.

Conditions:
PAH-related disorder. Also called: PAH-related condition.
Phenylketonuria (PKU). Also called: FOLLING DISEASE; Phenylketonurias; OLIGOPHRENIA PHENYLPYRUVICA; Phenylketonuria (PKU). Identifiers: Orphanet 716, MedGen C0031485, MONDO:0009861, OMIM 261600. Disease mechanism: loss of function.

Allele frequency attached by ClinVar (database versions not stated): gnomAD exomes 0.00001; TOPMed 0.00001; ExAC 0.00002.
gnomAD v4.1: 17 of 1,613,966 alleles (0.0011%); highest among the groups gnomAD compares: Non-Finnish European, 0.0014%; no homozygotes.

Submissions (9):

PreventionGenetics, part of Exact Sciences
Classification: Pathogenic for PAH-related condition. Last evaluated: 2026-05-29. Review status: criteria provided, single submitter. Criteria: ACMG Guidelines, 2015. Collection method: clinical testing. Allele origin: germline.
Comment: The PAH c.847A>T variant is predicted to result in the amino acid substitution p.Ile283Phe. This variant has been reported with a second pathogenic PAH variant in many individuals with phenylalanine hydroxylase deficiency (Quirk et al. 2012. PubMed ID: 22841515; Bik-Multanowski et al. 2013. PubMed ID: 24350308; Danecka et al. 2015. PubMed ID: 25596310; Réblová et al. 2013. PubMed ID: 23357515) and is associated with classic phenylketonuria (Table S2, Hillert et al. 2020. PubMed ID: 32668217). The p.Ile283Phe substitution has been found in tetrahydrobiopterin (BH4) non-responsive patients (Quirk et al. 2012. PubMed ID: 22841515; Bik-Multanowski et al. 2013. PubMed ID: 24350308). In vitro experimental studies indicate this variant decreases enzyme activity (Gjetting et al. 2001. PubMed ID: 11161839; Danecka et al. 2015. PubMed ID: 25596310). This variant is reported in 0.0026% of alleles in individuals of European (non-Finnish) descent in gnomAD. Other missense variants affecting the same amino acid (p.Ile283Asn, p.Ile283Val) have also been reported in individuals with phenylketonuria (Bosco et al. 1998. PubMed ID: 9521426; Aldámiz-Echevarría et al. 2016. PubMed ID: 27121329). The c.847A>T (p.Ile283Phe) variant is classified as pathogenic by several laboratories in the ClinVar Database (Variation ID: 102876). This variant is interpreted as pathogenic.

Labcorp Genetics (formerly Invitae), Labcorp
Classification: Pathogenic for Phenylketonuria. Last evaluated: 2025-11-19. Review status: criteria provided, single submitter. Criteria: Invitae Variant Classification Sherloc (09022015). Collection method: clinical testing. Allele origin: germline.
Comment: This sequence change replaces isoleucine, which is neutral and non-polar, with phenylalanine, which is neutral and non-polar, at codon 283 of the PAH protein (p.Ile283Phe). This variant is present in population databases (rs62517168, gnomAD 0.003%). This missense change has been observed in individuals with phenylketonuria (PMID: 8097423, 9399896, 10679941, 24350308, 25596310). ClinVar contains an entry for this variant (Variation ID: 102876). Invitae Evidence Modeling of protein sequence and biophysical properties (such as structural, functional, and spatial information, amino acid conservation, physicochemical variation, residue mobility, and thermodynamic stability) indicates that this missense variant is not expected to disrupt PAH protein function with a negative predictive value of 80%. Experimental studies have shown that this missense change affects PAH function (PMID: 11161839). For these reasons, this variant has been classified as Pathogenic.

Natera, Inc.
Classification: Pathogenic for Phenylketonuria. Last evaluated: 2024-08-23. Review status: criteria provided, single submitter. Criteria: Natera Variant Classification Schema (03/2026). Collection method: clinical testing. Allele origin: germline.
Comment: The c.847A>T variant in PAH is a missense variant predicted to cause substitution of isoleucine to phenylalanine at amino acid 283. This variant is rare in the general population with a frequency below the threshold expected for the associated phenotype(s). This variant has been observed in one or more individuals affected with the associated recessive disease, as either homozygous or compound heterozygous with a second variant (PMID: 22526846). Given the available evidence, this variant is classified as Pathogenic.

Baylor Genetics
Classification: Pathogenic for Phenylketonuria. Last evaluated: 2024-02-22. Review status: criteria provided, single submitter. Criteria: ACMG Guidelines, 2015. Collection method: clinical testing. Allele origin: unknown.

Women's Health and Genetics/Laboratory Corporation of America, LabCorp
Classification: Pathogenic for Phenylketonuria. Last evaluated: 2020-12-25. Review status: criteria provided, single submitter. Criteria: LabCorp Variant Classification Summary - May 2015. Collection method: clinical testing. Allele origin: germline.
Comment: Variant summary: PAH c.847A>T (p.Ile283Phe) results in a non-conservative amino acid change located in the Aromatic amino acid hydroxylase, C-terminal domain (IPR019774) of the encoded protein sequence. Five of five in-silico tools predict a damaging effect of the variant on protein function. The variant allele was found at a frequency of 1.2e-05 in 250930 control chromosomes. c.847A>T has been reported in the literature in multiple individuals affected with Phenylalanine Hydroxylase Deficiency (Phenylketonuria) (example, Bik-Multanowski_2013). These data indicate that the variant is very likely to be associated with disease. Several publications report experimental evidence evaluating an impact on protein function. The most pronounced variant effect results in approximately 21.1+/-7% of PKU activity leading to a characterization of an allele phenotype value (APV) of 0.4 corresponding to classic PKU (example, Himmelreich_2018). Four clinical diagnostic laboratories have submitted clinical-significance assessments for this variant to ClinVar after 2014 without evidence for independent evaluation. All laboratories classified the variant as pathogenic. Based on the evidence outlined above, the variant was classified as pathogenic.

CeGaT Center for Human Genetics Tuebingen
Classification: Pathogenic. Last evaluated: 2019-10-01. Review status: criteria provided, single submitter. Criteria: CeGaT Center For Human Genetics Tuebingen Variant Classification Criteria Version 2. Collection method: clinical testing. Allele origin: germline. Affected: yes. Observed: 2 variant alleles.

Eurofins Ntd Llc (ga)
Classification: Pathogenic. Last evaluated: 2016-10-31. Review status: criteria provided, single submitter. Criteria: EGL Classification Definitions 2015. Collection method: clinical testing. Allele origin: germline. Observed: 2 variant alleles, 2 heterozygotes.

Counsyl
Classification: Pathogenic for Phenylketonuria. Last evaluated: 2016-01-21. Review status: no assertion criteria provided. Collection method: clinical testing. Allele origin: unknown. Not counted in ClinVar's aggregate classification.

DeBelle Laboratory for Biochemical Genetics, MUHC/MCH RESEARCH INSTITUTE
No classification provided. Review status: no classification provided. Collection method: not provided. Allele origin: not provided. Not counted in ClinVar's aggregate classification.

Literature cited by the submitters: PubMed 8097423 (cited by 4 submitters); PubMed 9399896 (cited by Labcorp Genetics (formerly Invitae), Labcorp and Women's Health and Genetics/Laboratory Corporation of America, LabCorp); PubMed 10679941 (cited by 3 submitters); PubMed 24350308 (cited by 3 submitters); PubMed 25596310 (cited by 4 submitters); PubMed 11161839 (cited by 3 submitters); PubMed 22526846 (cited by Natera, Inc.); PubMed 30037505 (cited by Women's Health and Genetics/Laboratory Corporation of America, LabCorp); PubMed 23357515 (cited by Counsyl); PubMed 17924342 (cited by Counsyl); PubMed 12649065 (cited by Counsyl); PubMed 22841515 (cited by Counsyl); PubMed 8088845 (cited by Counsyl).